The following is an entry in ClinVar:

ClinVar aggregate classification (germline): Benign/Likely benign. Review status: criteria provided, multiple submitters, no conflicts (2 of 4 stars). 2 submissions from 2 submitters: Benign (1); Likely benign (1). Last evaluated 2024-11-07.

Conditions:
Renal cell carcinoma. Identifiers: Orphanet 217071, MedGen C0007134, MeSH D002292, MONDO:0005086, HP:0005584.
Papillary renal cell carcinoma type 1 (RCCP1). Also called: RENAL CELL CARCINOMA, PAPILLARY, 1, SOMATIC; Renal adenocarcinoma; Renal cell carcinoma 1; Renal cell carcinoma, somatic. Identifiers: Orphanet 47044, MedGen C1336839, OMIM 605074, HP:0011797.

Submissions (2):

Myriad Genetics, Inc.
Classification: Benign for Papillary renal cell carcinoma type 1. Last evaluated: 2024-11-07. Review status: criteria provided, single submitter. Criteria: Myriad Autosomal Dominant, Autosomal Recessive and X-Linked Classification Criteria (2023). Collection method: clinical testing. Allele origin: unknown.
Comment: This variant is considered benign. This variant is a silent/synonymous amino acid change and it is not expected to impact splicing.

Labcorp Genetics (formerly Invitae), Labcorp
Classification: Likely benign for Renal cell carcinoma. Last evaluated: 2024-08-20. Review status: criteria provided, single submitter. Criteria: Invitae Variant Classification Sherloc (09022015). Collection method: clinical testing. Allele origin: germline.

NM_000245.4(MET):c.1134C>T (p.Val378=)

Gene: MET (MET proto-oncogene, receptor tyrosine kinase; plus strand). Cytogenetic location: 7q31.2.
Variant type: single nucleotide variant.
Coding change: c.1134C>T on transcript NM_000245.4 (MANE Select); coding-DNA position 1134, C replaced by T.
Protein change: p.Val378=; no amino-acid change (valine 378 retained).
Molecular consequence: synonymous variant. On other transcripts: intron variant (1).
Genome position (GRCh38, 1-based): chr7:116,700,218, C>T. VCF-style: chr7-116700218-C-T. GRCh37 (hg19) VCF-style: chr7-116340272-C-T.
Other names: c.1134C>T, p.Val378= (NM_001127500.3, NM_001324401.3); c.-91+27641C>T (NM_001324402.2).
Identifiers: ClinVar variation 3669464 (VCV003669464.3).
Genomic context (GRCh38, chr7:116,700,218, plus strand): 5'-TCGATCTGCCATGTGTGCATTCCCTATCAAATATGTCAACGACTTCTTCAACAAGATCGT[C>T]AACAAAAACAATGTGAGATGTCTCCAGCATTTTTACGGACCCAATCATGAGCACTGCTTT-3'
Protein context (NP_000236.2, residues 368-388): KYVNDFFNKI[Val378=]NKNNVRCLQH